The following is an entry in ClinVar:

ClinVar aggregate classification (germline): Uncertain significance (1 of 4 stars; one submission).

Conditions:
Developmental and epileptic encephalopathy, 53. Also called: Epileptic encephalopathy, early infantile, 53. Identifiers: MedGen C4479313, MONDO:0033362, OMIM 617389.
Early-onset Parkinson disease 20. Also called: PARKINSON DISEASE 20, AUTOSOMAL RECESSIVE EARLY-ONSET. Identifiers: Orphanet 391411, MedGen C3809824, MONDO:0014233, OMIM 615530.

Allele frequency attached by ClinVar (database versions not stated): gnomAD exomes below 0.00001.
gnomAD v4.1: 1 of 1,613,690 alleles (0.000062%); highest among the groups gnomAD compares: African/African-American, 0.0013%; no homozygotes.

Submission:

Labcorp Genetics (formerly Invitae), Labcorp
Classification: Uncertain significance for Developmental and epileptic encephalopathy, 53; Early-onset Parkinson disease 20. Last evaluated: 2020-02-17. Review status: criteria provided, single submitter. Criteria: Invitae Variant Classification Sherloc (09022015). Collection method: clinical testing. Allele origin: germline.
Comment: This variant is not present in population databases (ExAC no frequency). This variant has not been reported in the literature in individuals with SYNJ1-related conditions. Algorithms developed to predict the effect of missense changes on protein structure and function are either unavailable or do not agree on the potential impact of this missense change (SIFT: "Deleterious"; PolyPhen-2: "Probably Damaging"; Align-GVGD: "Class C15"). In summary, the available evidence is currently insufficient to determine the role of this variant in disease. Therefore, it has been classified as a Variant of Uncertain Significance. This sequence change replaces cysteine with tyrosine at codon 425 of the SYNJ1 protein (p.Cys425Tyr). The cysteine residue is highly conserved and there is a large physicochemical difference between cysteine and tyrosine.

NM_203446.3(SYNJ1):c.1157G>A (p.Cys386Tyr)

Gene: SYNJ1 (synaptojanin 1; minus strand). Cytogenetic location: 21q22.11.
Variant type: single nucleotide variant.
Coding change: c.1157G>A on transcript NM_203446.3 (MANE Select); coding-DNA position 1157, G replaced by A.
Protein change: p.Cys386Tyr; replaces cysteine 386 with tyrosine.
Molecular consequence: missense variant.
Genome position (GRCh38, 1-based): chr21:32,684,081, C>T on the plus strand (G>A on the coding strand, the complement: SYNJ1 is on the minus strand). VCF-style: chr21-32684081-C-T. GRCh37 (hg19) VCF-style: chr21-34056391-C-T.
Other names: c.1157G>A, p.Cys386Tyr (NM_001160302.2, NM_001160306.2); c.1274G>A, p.Cys425Tyr (NM_003895.4); short protein forms C386Y, C425Y.
Identifiers: ClinVar variation 849125 (VCV000849125.11), dbSNP rs2041732521, ClinGen allele CA410091573.
Genomic context (GRCh38, chr21:32,684,081, plus strand): 5'-TTAATTTATTCTTTTACCTCTAAGCCAAGAAATGCCTGCACACTATTTGTTCTATCAAGA[C>T]AATCCAAGCAGTTTGTTCGAACTGTACCACTCTGGCATCTGTAACCAATAAAGTTAAATA-3'
Protein context (NP_982271.3, residues 376-396): SGTVRTNCLD[Cys386Tyr]LDRTNSVQAF